The following is an entry in ClinVar:

ClinVar aggregate classification (germline): Conflicting classifications of pathogenicity. Review status: criteria provided, conflicting classifications (1 of 4 stars). 4 submissions from 4 submitters: Uncertain significance (2); Likely benign (2). Last evaluated 2024-10-28.

Conditions:
Collagen 6-related myopathy. Identifiers: MedGen CN117976, MONDO:0100225.
Bethlem myopathy 1A. Also called: MYOPATHY, BENIGN CONGENITAL, WITH CONTRACTURES; Bethlem myopathy 1; Bethlem Muscular Dystrophy. Identifiers: Orphanet 610, MedGen CN029274, MONDO:0024530, OMIM 158810.

Allele frequency attached by ClinVar (database versions not stated): gnomAD 0.00005; gnomAD exomes 0.00007; ESP Exome Variant Server 0.00008; ExAC 0.00009.

Submissions (4):

Labcorp Genetics (formerly Invitae), Labcorp
Classification: Likely benign for Bethlem myopathy 1A. Last evaluated: 2024-10-28. Review status: criteria provided, single submitter. Criteria: Invitae Variant Classification Sherloc (09022015). Collection method: clinical testing. Allele origin: germline.

GeneDx
Classification: Uncertain significance. Last evaluated: 2022-06-14. Review status: criteria provided, single submitter. Criteria: GeneDx Variant Classification Process June 2021. Collection method: clinical testing. Allele origin: germline. Affected: yes.
Comment: In silico analysis supports that this missense variant does not alter protein structure/function; Has not been previously published as pathogenic or benign to our knowledge; This variant is associated with the following publications: (PMID: 30564623)

Illumina Laboratory Services, Illumina
Classification: Likely benign for Collagen VI-related myopathy. Last evaluated: 2018-01-12. Review status: criteria provided, single submitter. Criteria: ICSL Variant Classification Criteria 13 December 2019. Collection method: clinical testing. Allele origin: germline.
Comment: This variant was observed in the ICSL laboratory as part of a predisposition screen in an ostensibly healthy population. It had not been previously curated by ICSL or reported in the Human Gene Mutation Database (HGMD: prior to June 1st, 2018), and was therefore a candidate for classification through an automated scoring system. Utilizing variant allele frequency, disease prevalence and penetrance estimates, and inheritance mode, an automated score was calculated to assess if this variant is too frequent to cause the disease. Based on the score and internal cut-off values, a variant classified as likely benign is not then subjected to further curation. The score for this variant resulted in a classification of likely benign for this disease.

Eurofins Ntd Llc (ga)
Classification: Uncertain significance. Last evaluated: 2017-01-18. Review status: criteria provided, single submitter. Criteria: EGL Classification Definitions 2015. Collection method: clinical testing. Allele origin: germline. Observed: 1 variant allele, 1 heterozygote.

NM_001849.4(COL6A2):c.3034G>A (p.Asp1012Asn)

Gene: COL6A2 (collagen type VI alpha 2 chain; plus strand). Cytogenetic location: 21q22.3.
Variant type: single nucleotide variant.
Coding change: c.3034G>A on transcript NM_001849.4 (MANE Select); coding-DNA position 3034, G replaced by A.
Protein change: p.Asp1012Asn; replaces aspartic acid 1012 with asparagine.
Molecular consequence: missense variant.
Genome position (GRCh38, 1-based): chr21:46,132,526, G>A. VCF-style: chr21-46132526-G-A. GRCh37 (hg19) VCF-style: chr21-47552440-G-A.
Other names: short protein forms D1012N.
Identifiers: ClinVar variation 340389 (VCV000340389.18), dbSNP rs372431744, ClinGen allele CA10073149.